The following is an entry in ClinVar:

ClinVar aggregate classification (germline): Benign. Review status: criteria provided, multiple submitters, no conflicts (2 of 4 stars). 2 submissions from 2 submitters: Benign (2). Last evaluated 2026-01-28.

Conditions:
Hypomyelination and Congenital Cataract (HLD5). Also called: hypomyelinating leukodystrophy 5. Identifiers: Orphanet 85163, MedGen C1864663, MONDO:0012514, OMIM 610532.

Allele frequency attached by ClinVar (database versions not stated): gnomAD exomes 0.00066 and 0.00157; ExAC 0.00202; 1000 Genomes Project 30x 0.00531; 1000 Genomes Project 0.00539; gnomAD 0.00634 and 0.00688; ESP Exome Variant Server 0.00654; TOPMed 0.00764.
gnomAD v4.1: 1,970 of 1,606,806 alleles (0.12%); highest among the groups gnomAD compares: African/African-American, 2.4%; 29 homozygotes.

Submissions (5):

Labcorp Genetics (formerly Invitae), Labcorp
Classification: Benign for Hypomyelination and Congenital Cataract. Last evaluated: 2026-01-28. Review status: criteria provided, single submitter. Criteria: Invitae Variant Classification Sherloc (09022015). Collection method: clinical testing. Allele origin: germline.

Illumina Laboratory Services, Illumina
Classification: Benign for Hypomyelination and Congenital Cataract. Last evaluated: 2018-01-13. Review status: criteria provided, single submitter. Criteria: ICSL Variant Classification Criteria 13 December 2019. Collection method: clinical testing. Allele origin: germline.
Comment: This variant was observed in the ICSL laboratory as part of a predisposition screen in an ostensibly healthy population. It had not been previously curated by ICSL or reported in the Human Gene Mutation Database (HGMD: prior to June 1st, 2018), and was therefore a candidate for classification through an automated scoring system. Utilizing variant allele frequency, disease prevalence and penetrance estimates, and inheritance mode, an automated score was calculated to assess if this variant is too frequent to cause the disease. Based on the score and internal cut-off values, a variant classified as benign is not then subjected to further curation. The score for this variant resulted in a classification of benign for this disease.

Dr. Peter K. Rogan Lab, Western University
No classification provided (evidence only). Condition: Acute myeloid leukemia. Review status: no classification provided. Collection method: in vitro. Allele origin: not applicable. Functional consequence: retained intron. Not counted in ClinVar's aggregate classification.

Dr. Peter K. Rogan Lab, Western University
No classification provided (evidence only). Condition: Cervical cancer. Review status: no classification provided. Collection method: in vitro. Allele origin: not applicable. Functional consequence: retained intron. Not counted in ClinVar's aggregate classification.

Dr. Peter K. Rogan Lab, Western University
No classification provided (evidence only). Condition: Ovarian serous cystadenocarcinoma. Review status: no classification provided. Collection method: in vitro. Allele origin: not applicable. Functional consequence: retained intron. Not counted in ClinVar's aggregate classification.

NM_032581.4(HYCC1):c.992-11T>G

Gene: HYCC1 (hyccin PI4KA lipid kinase complex subunit 1; minus strand). Cytogenetic location: 7p15.3.
Variant type: single nucleotide variant.
Coding change: c.992-11T>G on transcript NM_032581.4 (MANE Select); 11 bases into the intron before coding-DNA position 992, T replaced by G.
Molecular consequence: intron variant.
Genome position (GRCh38, 1-based): chr7:22,946,174, A>C on the plus strand (T>G on the coding strand, the complement: HYCC1 is on the minus strand). VCF-style: chr7-22946174-A-C. GRCh37 (hg19) VCF-style: chr7-22985793-A-C.
Other names: c.1207-11T>G (NM_001363467.2); c.*28-11T>G (NM_001363466.2).
Identifiers: ClinVar variation 910976 (VCV000910976.13), dbSNP rs115772574, ClinGen allele CA4185809.
Genomic context (GRCh38, chr7:22,946,174, plus strand): 5'-AACTTCAGATATCTCCATCAGTTCTTCTTGACCTGTTAATTCTGTATTTCCTAAACAAAG[A>C]AATGACAAAGATTAATTAACATTAAGTATTTTAAGCAATCTTTTTAAATGATTAACACCA-3'